The following is an entry in ClinVar:

ClinVar aggregate classification (germline): Likely pathogenic (1 of 4 stars; one submission).

Conditions:
PKD1-related disorder. Also called: PKD1-related condition.

Submission:

PreventionGenetics, part of Exact Sciences
Classification: Likely pathogenic for PKD1-related condition. Last evaluated: 2026-03-29. Review status: criteria provided, single submitter. Criteria: ACMG Guidelines, 2015. Collection method: clinical testing. Allele origin: germline.
Comment: The PKD1 c.2949_2978del30 variant is predicted to result in an in-frame deletion (p.Asn983_Phe992del). This 30 bp in-frame deletion variant has been reported in an individual with bilateral numerous kidney cysts and hypertension (Supplemental Table S1, Borden et al. 2023. PubMed ID: 37850009). Of note, a smaller in-frame deletion within this deletion interval, defined as c.2954_2956del (p.Ile985_Tyr986delinsAsn), was reported in an individual with autosomal dominant polycystic kidney disease (ADPKD) (Supp. Table S5, Audrézet et al. 2012. PubMed ID: 22508176). In addition, multiple rare missense variants within this deletion interval have been reported in individuals with ADPKD (see for example, p.Val984Asp in Neumann et al. 2013. PubMed ID: 23300259; p.Gln987His in Burtey et al. 2002. PubMed ID: 12070253 and Ma et al. 2009. PubMed ID: 19759016). These studies suggested that this region is critical for the normal protein function. Of note, loss-of-function is the disease causing mechanism for PKD1 to ADPKD. And small in-frame deletions have been commonly reported to be pathogenic for ADPKD (PreventionGenetics, internal data). The c.2949_2978del (p.Asn983_Phe992del) variant has not been reported in a large population database (gnomAD), indicating this variant is rare. Taken together, this variant is interpreted as likely pathogenic.

NM_001009944.3(PKD1):c.2949_2978del (p.Asn983_Phe992del)

Gene: PKD1 (polycystin 1, transient receptor potential channel interacting; minus strand). Cytogenetic location: 16p13.3.
Variant type: Deletion.
Coding change: c.2949_2978del on transcript NM_001009944.3 (MANE Select); coding-DNA positions 2949 to 2978, 30 bases deleted (TGTCATTTATCAGAGCGCGGCGGTCTTCAA).
Protein change: p.Asn983_Phe992del.
Molecular consequence: inframe deletion. On other transcripts: inframe indel (1).
Genome position (GRCh38, 1-based): chr16:2,113,168-2,113,197, TTGAAGACCGCCGCGCTCTGATAAATGACA deleted on the plus strand (TGTCATTTATCAGAGCGCGGCGGTCTTCAA on the coding strand, the reverse complement: PKD1 is on the minus strand); deleting any 30 consecutive bases within chr16:2,113,168-2,113,206 gives the same sequence; the c. name uses the placement nearest the transcript's 3' end. VCF-style (leftmost placement, unchanged base first): chr16-2113167-CTTGAAGACCGCCGCGCTCTGATAAATGACA-C. GRCh37 (hg19) VCF-style: chr16-2163168-CTTGAAGACCGCCGCGCTCTGATAAATGACA-C.
Other names: c.2949_2978del, p.Asn983_Phe992del (NM_000296.4); c.2949_2978del30 (NM_001009944.2).
Identifiers: ClinVar variation 4986518 (VCV004986518.1).